The following is an entry in ClinVar:

NM_000094.4(COL7A1):c.4944G>A (p.Pro1648=)

Gene: COL7A1 (collagen type VII alpha 1 chain; minus strand). Cytogenetic location: 3p21.31.
Variant type: single nucleotide variant.
Coding change: c.4944G>A on transcript NM_000094.4 (MANE Select); coding-DNA position 4944, G replaced by A.
Protein change: p.Pro1648=; no amino-acid change (proline 1648 retained).
Molecular consequence: synonymous variant.
Genome position (GRCh38, 1-based): chr3:48,580,918, C>T on the plus strand (G>A on the coding strand, the complement: COL7A1 is on the minus strand). VCF-style: chr3-48580918-C-T. GRCh37 (hg19) VCF-style: chr3-48618351-C-T.
Identifiers: ClinVar variation 345842 (VCV000345842.16), dbSNP rs111360822, ClinGen allele CA2379755.

ClinVar aggregate classification (germline): Conflicting classifications of pathogenicity. Review status: criteria provided, conflicting classifications (1 of 4 stars). 4 submissions from 4 submitters: Uncertain significance (1); Likely benign (2). 1 of the submissions does not count toward it. Last evaluated 2026-05-01.

Conditions:
Epidermolysis bullosa dystrophica. Also called: Dystrophic epidermolysis bullosa, Hallopeau-Siemens type (formerly); Dystrophic epidermolysis bullosa. Identifiers: Orphanet 303, MedGen C0079294, MONDO:0006543.
COL7A1-related disorder. Also called: COL7A1- related disorders; COL7A1-related condition.

Allele frequency attached by ClinVar (database versions not stated): TOPMed 0.00005; gnomAD 0.00008; gnomAD exomes 0.00010 and 0.00011; ExAC 0.00011; ESP Exome Variant Server 0.00015; 1000 Genomes Project 30x 0.00016; 1000 Genomes Project 0.00020.
gnomAD v4.1: 158 of 1,614,066 alleles (0.0098%); highest among the groups gnomAD compares: Middle Eastern, 0.033%; no homozygotes.

Submissions (4):

CeGaT Center for Human Genetics Tuebingen
Classification: Likely benign. Last evaluated: 2026-05-01. Review status: criteria provided, single submitter. Criteria: CeGaT Center For Human Genetics Tuebingen Variant Classification Criteria Version 2. Collection method: clinical testing. Allele origin: germline. Affected: yes. Observed: 1 variant allele.
Comment: COL7A1: BP4, BP7

Labcorp Genetics (formerly Invitae), Labcorp
Classification: Likely benign. Last evaluated: 2026-01-28. Review status: criteria provided, single submitter. Criteria: Invitae Variant Classification Sherloc (09022015). Collection method: clinical testing. Allele origin: germline.

Illumina Laboratory Services, Illumina
Classification: Uncertain significance for Dystrophic epidermolysis bullosa. Last evaluated: 2018-01-12. Review status: criteria provided, single submitter. Criteria: ICSL Variant Classification Criteria 13 December 2019. Collection method: clinical testing. Allele origin: germline.

PreventionGenetics, part of Exact Sciences
Classification: Likely benign for COL7A1-related condition. Last evaluated: 2019-05-23. Review status: no assertion criteria provided. Collection method: clinical testing. Allele origin: germline. Not counted in ClinVar's aggregate classification.
Comment: This variant is classified as likely benign based on ACMG/AMP sequence variant interpretation guidelines (Richards et al. 2015 PMID: 25741868, with internal and published modifications).